The following is an entry in ClinVar:

NM_007294.4(BRCA1):c.145C>A (p.Leu49Met)

Gene: BRCA1 (BRCA1 DNA repair associated; minus strand). Cytogenetic location: 17q21.31.
Variant type: single nucleotide variant.
Coding change: c.145C>A on transcript NM_007294.4 (MANE Select); coding-DNA position 145, C replaced by A.
Protein change: p.Leu49Met; replaces leucine 49 with methionine.
Molecular consequence: missense variant. On other transcripts: non-coding transcript variant (1).
Genome position (GRCh38, 1-based): chr17:43,106,523, G>T on the plus strand (C>A on the coding strand, the complement: BRCA1 is on the minus strand). VCF-style: chr17-43106523-G-T. GRCh37 (hg19) VCF-style: chr17-41258540-G-T.
Other names: c.-44C>A (NM_001407571.1, NM_001407853.1, NM_001407879.1 and 58 more transcripts); c.145C>A, p.Leu49Met (NM_001407581.1, NM_001407582.1, NM_001407583.1 and 168 more transcripts); c.4C>A, p.Leu2Met (NM_001407845.1, NM_001407846.1, NM_001407847.1 and 99 more transcripts); short protein forms L2M, L49M.
Identifiers: ClinVar variation 867273 (VCV000867273.3), dbSNP rs2054792700, ClinGen allele CA10601865.

Conditions:
Breast-ovarian cancer, familial, susceptibility to, 1 (BROVCA1). Also called: BRCA1 Hereditary Breast and Ovarian Cancer; OVARIAN CANCER, SUSCEPTIBILITY TO. Identifiers: Orphanet 145, MedGen C2676676, MONDO:0011450, OMIM 604370. Disease mechanism: loss of function.

Submission:

Brotman Baty Institute, University of Washington
No classification provided (evidence only). Condition: Breast-ovarian cancer, familial 1. Review status: no classification provided. Collection method: in vitro. Allele origin: not applicable. Functional consequence: functionally_normal.
ClinVar note: "not provided" was previously submitted as the classification for the variant. However, the classification appeared to be based only on an observation of functional data so it was converted to no classification on 2025-07-30.